The following is an entry in ClinVar:

NM_033118.4(MYLK2):c.1584G>A (p.Arg528=)

Gene: MYLK2 (myosin light chain kinase 2; plus strand). Cytogenetic location: 20q11.21.
Variant type: single nucleotide variant.
Coding change: c.1584G>A on transcript NM_033118.4 (MANE Select); coding-DNA position 1584, G replaced by A.
Protein change: p.Arg528=; no amino-acid change (arginine 528 retained).
Molecular consequence: synonymous variant.
Genome position (GRCh38, 1-based): chr20:31,832,010, G>A. VCF-style: chr20-31832010-G-A. GRCh37 (hg19) VCF-style: chr20-30419813-G-A.
Identifiers: ClinVar variation 36650 (VCV000036650.32), dbSNP rs55807353, ClinGen allele CA181381.

ClinVar aggregate classification (germline): Benign/Likely benign. Review status: criteria provided, multiple submitters, no conflicts (2 of 4 stars). 10 submissions from 10 submitters: Benign (3); Likely benign (4). 3 of the submissions do not count toward it. Last evaluated 2025-12-22.

Conditions:
MYLK2-related disorder. Also called: MYLK2-related condition.
Hypertrophic cardiomyopathy 1 (CMH1). Also called: Familial hypertrophic cardiomyopathy 1; MYH7-Related Familial Hypertrophic Cardiomyopathy. Identifiers: MedGen C3495498, MONDO:0008647, OMIM 192600.

Allele frequency attached by ClinVar (database versions not stated): 1000 Genomes Project 30x 0.00031; 1000 Genomes Project 0.00040; gnomAD exomes 0.00082 and 0.00115; ExAC 0.00085; gnomAD 0.00095 and 0.00120; ESP Exome Variant Server 0.00123; TOPMed 0.00152.
gnomAD v4.1: 1,856 of 1,609,828 alleles (0.12%); highest among the groups gnomAD compares: Middle Eastern, 0.3%; 4 homozygotes.

Submissions (10):

Labcorp Genetics (formerly Invitae), Labcorp
Classification: Benign for Hypertrophic cardiomyopathy 1. Last evaluated: 2025-12-22. Review status: criteria provided, single submitter. Criteria: Invitae Variant Classification Sherloc (09022015). Collection method: clinical testing. Allele origin: germline.

CeGaT Center for Human Genetics Tuebingen
Classification: Likely benign. Last evaluated: 2025-04-01. Review status: criteria provided, single submitter. Criteria: CeGaT Center For Human Genetics Tuebingen Variant Classification Criteria Version 2. Collection method: clinical testing. Allele origin: germline. Affected: yes. Observed: 1 variant allele.
Comment: MYLK2: BP4, BP7

PreventionGenetics, part of Exact Sciences
Classification: Likely benign for MYLK2-related condition. Last evaluated: 2024-12-20. Review status: criteria provided, single submitter. Criteria: ACMG Guidelines, 2015. Collection method: clinical testing. Allele origin: germline.
Comment: This variant is classified as likely benign based on ACMG/AMP sequence variant interpretation guidelines (Richards et al. 2015 PMID: 25741868, with internal and published modifications).

Ambry Genetics
Classification: Likely benign. Last evaluated: 2022-05-18. Review status: criteria provided, single submitter. Criteria: Ambry Variant Classification Scheme 2023. Collection method: clinical testing. Allele origin: germline.

Women's Health and Genetics/Laboratory Corporation of America, LabCorp
Classification: Benign. Last evaluated: 2017-02-13. Review status: criteria provided, single submitter. Criteria: LabCorp Variant Classification Summary - May 2015. Collection method: clinical testing. Allele origin: germline.
Comment: Variant summary: The MYLK2 c.1584G>A (p.Arg528Arg)causes a synonymous change involving the alteration of a non-conserved nucleotide, 5/5 splice prediction tools predict no significant impact on normal splicing and ESE finder predicts alterations to ESE binding. However, these predictions have yet to be confirmed by functional studies. The variant of interest was observed in the large, broad control population, ExAC, with an allele frequency of 80/94662 (1/1183), which is approximately 34 times the estimated maximal expected allele frequency for a pathogenic MYLK2 variant of 1/40000, suggesting this variant is likely a benign polymorphism. In addition, multiple clinical diagnostic laboratories/reputable databases classified this variant as likely benign. Therefore, the variant of interest has been classified as Benign.

Laboratory for Molecular Medicine, Mass General Brigham Personalized Medicine
Classification: Likely benign. Last evaluated: 2015-07-28. Review status: criteria provided, single submitter. Criteria: LMM Criteria. Collection method: clinical testing. Allele origin: germline. Observed: 4 variant alleles.
Comment: p.Arg528Arg in exon 12 of MYLK2: This variant is not expected to have clinical s ignificance because it does not alter an amino acid residue and is not located w ithin the splice consensus sequence. It has been identified in 0.1% (54/52690) o f European chromosomes by the Exome Aggregation Consortium (ExAC; dbSNP rs55807353).

GeneDx
Classification: Benign. Last evaluated: 2015-03-03. Review status: criteria provided, single submitter. Criteria: GeneDx Variant Classification Process June 2021. Collection method: clinical testing. Allele origin: germline. Affected: yes.

Clinical Genetics DNA and cytogenetics Diagnostics Lab, Erasmus MC, Erasmus Medical Center
Classification: Likely benign. Review status: no assertion criteria provided. Collection method: clinical testing. Allele origin: germline. Affected: yes. Study: VKGL Data-share Consensus. Not counted in ClinVar's aggregate classification.

Diagnostic Laboratory, Department of Genetics, University Medical Center Groningen
Classification: Likely benign. Review status: no assertion criteria provided. Collection method: clinical testing. Allele origin: germline. Affected: yes. Study: VKGL Data-share Consensus. Not counted in ClinVar's aggregate classification.

Genome Diagnostics Laboratory, University Medical Center Utrecht
Classification: Likely benign. Review status: no assertion criteria provided. Collection method: clinical testing. Allele origin: germline. Affected: yes. Study: VKGL Data-share Consensus. Not counted in ClinVar's aggregate classification.